The following is an entry in ClinVar:

NM_000360.4(TH):c.1069G>A (p.Gly357Arg)

Gene: TH (tyrosine hydroxylase; minus strand). Cytogenetic location: 11p15.5.
Variant type: single nucleotide variant.
Coding change: c.1069G>A on transcript NM_000360.4 (MANE Select); coding-DNA position 1069, G replaced by A.
Protein change: p.Gly357Arg; replaces glycine 357 with arginine.
Molecular consequence: missense variant.
Genome position (GRCh38, 1-based): chr11:2,166,037, C>T on the plus strand (G>A on the coding strand, the complement: TH is on the minus strand). VCF-style: chr11-2166037-C-T. GRCh37 (hg19) VCF-style: chr11-2187267-C-T.
Other names: c.1162G>A, p.Gly388Arg (NM_199292.3); c.1150G>A, p.Gly384Arg (NM_199293.3); short protein forms G388R, G357R, G384R.
Identifiers: ClinVar variation 304072 (VCV000304072.50), dbSNP rs886048114, ClinGen allele CA10630594.
Genomic context (GRCh38, chr11:2,166,037, plus strand): 5'-GCCCTGCAGGGAGGGGTCAACCCACCGTGGACAGCTTCTCAATTTCCTCATCCGAGGCCC[C>T]CAGGGACGCCAGGCCAATGTCCTGTGGAGCAGGGAGGATGAAGGATGGGGAGAGGCAGCC-3'
Protein context (NP_000351.2, residues 347-367): FSQDIGLASL[Gly357Arg]ASDEEIEKLS

ClinVar aggregate classification (germline): Uncertain significance. Review status: criteria provided, multiple submitters, no conflicts (2 of 4 stars). 3 submissions from 3 submitters: Uncertain significance (3). Last evaluated 2021-08-27.

Conditions:
TH-deficient dopa-responsive dystonia. Also called: Tyrosine Hydroxylase-Deficient Dopa-Responsive Dystonia; Segawa syndrome, autosomal recessive; DYT-TH. Identifiers: Orphanet 101150, MedGen C2673535, MONDO:0011551, OMIM 605407.

Submissions (3):

Labcorp Genetics (formerly Invitae), Labcorp
Classification: Uncertain significance for TH-deficient dopa-responsive dystonia. Last evaluated: 2021-08-27. Review status: criteria provided, single submitter. Criteria: Invitae Variant Classification Sherloc (09022015). Collection method: clinical testing. Allele origin: germline.
Comment: This sequence change replaces glycine with arginine at codon 388 of the TH protein (p.Gly388Arg). The glycine residue is highly conserved and there is a moderate physicochemical difference between glycine and arginine. This variant is not present in population databases (ExAC no frequency). This missense change has been observed in individual(s) with dystonia (Invitae). ClinVar contains an entry for this variant (Variation ID: 304072). Algorithms developed to predict the effect of missense changes on protein structure and function (SIFT, PolyPhen-2, Align-GVGD) all suggest that this variant is likely to be disruptive. In summary, the available evidence is currently insufficient to determine the role of this variant in disease. Therefore, it has been classified as a Variant of Uncertain Significance.

CeGaT Center for Human Genetics Tuebingen
Classification: Uncertain significance. Last evaluated: 2019-02-01. Review status: criteria provided, single submitter. Criteria: CeGaT Center For Human Genetics Tuebingen Variant Classification Criteria Version 2. Collection method: clinical testing. Allele origin: germline. Affected: yes. Observed: 1 variant allele.

Illumina Laboratory Services, Illumina
Classification: Uncertain significance for TH-deficient dopa-responsive dystonia. Last evaluated: 2018-01-12. Review status: criteria provided, single submitter. Criteria: ICSL Variant Classification Criteria 13 December 2019. Collection method: clinical testing. Allele origin: germline.